The following is an entry in ClinVar:

ClinVar aggregate classification (germline): Uncertain significance (1 of 4 stars; one submission).

Conditions:
Familial cold autoinflammatory syndrome 2 (FCAS2). Identifiers: Orphanet 247868, MedGen C2673198, MONDO:0012724, OMIM 611762.

Allele frequency attached by ClinVar (database versions not stated): TOPMed 0.00002; gnomAD 0.00003.
gnomAD v4.1: 15 of 1,614,000 alleles (0.00093%); highest among the groups gnomAD compares: African/African-American, 0.0027%; no homozygotes.

Submission:

Labcorp Genetics (formerly Invitae), Labcorp
Classification: Uncertain significance for Familial cold autoinflammatory syndrome 2. Last evaluated: 2025-08-18. Review status: criteria provided, single submitter. Criteria: Invitae Variant Classification Sherloc (09022015). Collection method: clinical testing. Allele origin: germline.
Comment: This sequence change replaces arginine, which is basic and polar, with glutamine, which is neutral and polar, at codon 1016 of the NLRP12 protein (p.Arg1016Gln). This variant is present in population databases (rs770437378, gnomAD 0.004%). This variant has not been reported in the literature in individuals affected with NLRP12-related conditions. ClinVar contains an entry for this variant (Variation ID: 1935057). An algorithm developed to predict the effect of missense changes on protein structure and function outputs the following: PolyPhen-2: "Not Available". The glutamine amino acid residue is found in multiple mammalian species, which suggests that this missense change does not adversely affect protein function. In summary, the available evidence is currently insufficient to determine the role of this variant in disease. Therefore, it has been classified as a Variant of Uncertain Significance.

NM_144687.4(NLRP12):c.3047G>A (p.Arg1016Gln)

Gene: NLRP12 (NLR family pyrin domain containing 12; minus strand). Cytogenetic location: 19q13.42.
Variant type: single nucleotide variant.
Coding change: c.3047G>A on transcript NM_144687.4 (MANE Select); coding-DNA position 3047, G replaced by A.
Protein change: p.Arg1016Gln; replaces arginine 1016 with glutamine.
Molecular consequence: missense variant.
Genome position (GRCh38, 1-based): chr19:53,795,910, C>T on the plus strand (G>A on the coding strand, the complement: NLRP12 is on the minus strand). VCF-style: chr19-53795910-C-T. GRCh37 (hg19) VCF-style: chr19-54299164-C-T.
Other names: c.3050G>A, p.Arg1017Gln (NM_001277126.2); c.2876G>A, p.Arg959Gln (NM_001277129.1); short protein forms R1017Q, R1016Q, R959Q.
Identifiers: ClinVar variation 1935057 (VCV001935057.5), dbSNP rs770437378, ClinGen allele CA9638792.
Genomic context (GRCh38, chr19:53,795,910, plus strand): 5'-ATCCCTCACCAGAGGACTCGGAGTTTGCAGCCAGGATGGCTCAGCCGCTTGCAAAGCAGT[C>T]GGACACCTGTGTCCCCTAGGGCGTTGTTGGTCAGGTAAAGGTCGGTCAAGGTCTGGTTGA-3'
Protein context (NP_653288.1, residues 1006-1026): TNNALGDTGV[Arg1016Gln]LLCKRLSHPG